The following is an entry in ClinVar:

NM_003060.4(SLC22A5):c.1450+5G>A

Gene: SLC22A5 (solute carrier family 22 member 5; plus strand). Cytogenetic location: 5q31.1.
Variant type: single nucleotide variant.
Coding change: c.1450+5G>A on transcript NM_003060.4 (MANE Select); 5 bases into the intron after coding-DNA position 1450, G replaced by A.
Molecular consequence: intron variant.
Genome position (GRCh38, 1-based): chr5:132,392,620, G>A. VCF-style: chr5-132392620-G-A. GRCh37 (hg19) VCF-style: chr5-131728312-G-A.
Other names: c.1522+5G>A (NM_001308122.2).
Identifiers: ClinVar variation 1415794 (VCV001415794.3), dbSNP rs1752743445, ClinGen allele CA1583143675.

ClinVar aggregate classification (germline): Uncertain significance (1 of 4 stars; one submission).

Conditions:
Renal carnitine transport defect (CDSP). Also called: Systemic primary carnitine deficiency; Primary carnitine deficiency; CARNITINE DEFICIENCY, SYSTEMIC, DUE TO DEFECT IN RENAL REABSORPTION OF CARNITINE; CARNITINE TRANSPORTER, PLASMA-MEMBRANE, DEFICIENCY OF; CARNITINE UPTAKE DEFECT; Carnitine transporter deficiency. Identifiers: Orphanet 158, MedGen C0342788, MONDO:0008919, OMIM 212140.

Allele frequency attached by ClinVar (database versions not stated): TOPMed 0.00001.

Submission:

Labcorp Genetics (formerly Invitae), Labcorp
Classification: Uncertain significance for Renal carnitine transport defect. Last evaluated: 2021-11-23. Review status: criteria provided, single submitter. Criteria: Invitae Variant Classification Sherloc (09022015). Collection method: clinical testing. Allele origin: germline.
Comment: This sequence change falls in intron 8 of the SLC22A5 gene. It does not directly change the encoded amino acid sequence of the SLC22A5 protein. It affects a nucleotide within the consensus splice site. This variant is not present in population databases (gnomAD no frequency). This variant has not been reported in the literature in individuals affected with SLC22A5-related conditions. Variants that disrupt the consensus splice site are a relatively common cause of aberrant splicing (PMID: 17576681, 9536098). Algorithms developed to predict the effect of sequence changes on RNA splicing suggest that this variant may disrupt the consensus splice site. In summary, the available evidence is currently insufficient to determine the role of this variant in disease. Therefore, it has been classified as a Variant of Uncertain Significance.

Literature cited by the submitters: PubMed 17576681; PubMed 9536098.